The following is an entry in ClinVar:

NM_001005498.4(RHBDF2):c.171G>A (p.Leu57=)

Gene: RHBDF2 (rhomboid 5 homolog 2; minus strand). Cytogenetic location: 17q25.1.
Variant type: single nucleotide variant.
Coding change: c.171G>A on transcript NM_001005498.4 (MANE Select); coding-DNA position 171, G replaced by A.
Protein change: p.Leu57=; no amino-acid change (leucine 57 retained).
Molecular consequence: synonymous variant. On other transcripts: non-coding transcript variant (3).
Genome position (GRCh38, 1-based): chr17:76,479,834, C>T on the plus strand (G>A on the coding strand, the complement: RHBDF2 is on the minus strand). VCF-style: chr17-76479834-C-T. GRCh37 (hg19) VCF-style: chr17-74475916-C-T.
Other names: c.171G>A, p.Leu57= (NM_001376228.1, NM_001376229.1, NM_001376230.1); c.258G>A, p.Leu86= (NM_024599.5).
Identifiers: ClinVar variation 892253 (VCV000892253.7), dbSNP rs144977361, ClinGen allele CA8787455.

ClinVar aggregate classification (germline): Benign/Likely benign. Review status: criteria provided, multiple submitters, no conflicts (2 of 4 stars). 3 submissions from 3 submitters: Benign (2); Likely benign (1). Last evaluated 2024-06-28.

Conditions:
Palmoplantar keratoderma-esophageal carcinoma syndrome (TOC). Also called: Tylosis with Esophageal Cancer; KERATOSIS PALMARIS ET PLANTARIS WITH ESOPHAGEAL CANCER; PALMOPLANTAR KERATODERMA WITH ESOPHAGEAL CANCER. Identifiers: Orphanet 2198, MedGen C1835664, MONDO:0007856, OMIM 148500.

Allele frequency attached by ClinVar (database versions not stated): gnomAD 0.00007 and 0.00008; ESP Exome Variant Server 0.00008; TOPMed 0.00008; gnomAD exomes 0.00009 and 0.00016; ExAC 0.00013.
gnomAD v4.1: 153 of 1,612,990 alleles (0.0095%); highest among the groups gnomAD compares: Non-Finnish European, 0.0022%; 1 homozygote.

Submissions (3):

Labcorp Genetics (formerly Invitae), Labcorp
Classification: Benign. Last evaluated: 2024-06-28. Review status: criteria provided, single submitter. Criteria: Invitae Variant Classification Sherloc (09022015). Collection method: clinical testing. Allele origin: germline.

Blueprint Genetics
Classification: Likely benign. Last evaluated: 2024-06-19. Review status: criteria provided, single submitter. Criteria: ACMG Guidelines, 2015. Collection method: clinical testing. Allele origin: germline.

Illumina Laboratory Services, Illumina
Classification: Benign for Palmoplantar keratoderma-esophageal carcinoma syndrome. Last evaluated: 2018-01-13. Review status: criteria provided, single submitter. Criteria: ICSL Variant Classification Criteria 13 December 2019. Collection method: clinical testing. Allele origin: germline.
Comment: This variant was observed in the ICSL laboratory as part of a predisposition screen in an ostensibly healthy population. It had not been previously curated by ICSL or reported in the Human Gene Mutation Database (HGMD: prior to June 1st, 2018), and was therefore a candidate for classification through an automated scoring system. Utilizing variant allele frequency, disease prevalence and penetrance estimates, and inheritance mode, an automated score was calculated to assess if this variant is too frequent to cause the disease. Based on the score and internal cut-off values, a variant classified as benign is not then subjected to further curation. The score for this variant resulted in a classification of benign for this disease.